The following is an entry in ClinVar:

NM_139318.5(KCNH5):c.545C>G (p.Ala182Gly)

Gene: KCNH5 (potassium voltage-gated channel subfamily H member 5; minus strand). Cytogenetic location: 14q23.2.
Variant type: single nucleotide variant.
Coding change: c.545C>G on transcript NM_139318.5 (MANE Select); coding-DNA position 545, C replaced by G.
Protein change: p.Ala182Gly; replaces alanine 182 with glycine.
Molecular consequence: missense variant.
Genome position (GRCh38, 1-based): chr14:62,987,076, G>C on the plus strand (C>G on the coding strand, the complement: KCNH5 is on the minus strand). VCF-style: chr14-62987076-G-C. GRCh37 (hg19) VCF-style: chr14-63453794-G-C.
Other names: c.545C>G, p.Ala182Gly (NM_172375.3); short protein forms A182G.
Identifiers: ClinVar variation 1441948 (VCV001441948.9), dbSNP rs2139575198, ClinGen allele CA390104689.

ClinVar aggregate classification (germline): Uncertain significance (1 of 4 stars; one submission).

Conditions:
Early-infantile DEE. Also called: Early infantile epileptic encephalopathy; Ohtahara syndrome; Early infantile epileptic encephalopathy with suppression bursts. Identifiers: Orphanet 1934, MedGen C0393706, MONDO:0800491.

Submission:

Labcorp Genetics (formerly Invitae), Labcorp
Classification: Uncertain significance for Early-infantile DEE. Last evaluated: 2023-08-30. Review status: criteria provided, single submitter. Criteria: Invitae Variant Classification Sherloc (09022015). Collection method: clinical testing. Allele origin: germline.
Comment: This sequence change replaces alanine, which is neutral and non-polar, with glycine, which is neutral and non-polar, at codon 182 of the KCNH5 protein (p.Ala182Gly). This variant is not present in population databases (gnomAD no frequency). In summary, the available evidence is currently insufficient to determine the role of this variant in disease. Therefore, it has been classified as a Variant of Uncertain Significance. Advanced modeling of protein sequence and biophysical properties (such as structural, functional, and spatial information, amino acid conservation, physicochemical variation, residue mobility, and thermodynamic stability) performed at Invitae indicates that this missense variant is not expected to disrupt KCNH5 protein function. ClinVar contains an entry for this variant (Variation ID: 1441948). This variant has not been reported in the literature in individuals affected with KCNH5-related conditions.